The following is an entry in ClinVar:

ClinVar aggregate classification (germline): Likely benign. Review status: criteria provided, multiple submitters, no conflicts (2 of 4 stars). 3 submissions from 3 submitters: Likely benign (2). 1 of the submissions does not count toward it. Last evaluated 2019-01-13.

Conditions:
Treacher Collins syndrome 1 (TCS1). Also called: TCOF1-Related Treacher Collins Syndrome. Identifiers: Orphanet 861, MedGen CN315775, MONDO:0007944, OMIM 154500.

Allele frequency attached by ClinVar (database versions not stated): 1000 Genomes Project 0.00579; 1000 Genomes Project 30x 0.00609; ESP Exome Variant Server 0.00932; gnomAD 0.00987 and 0.01012; TOPMed 0.01054; gnomAD exomes 0.01318.
gnomAD v4.1: 20,470 of 1,598,618 alleles (1.3%); highest among the groups gnomAD compares: Admixed American, 1.5%; 139 homozygotes.

Submissions (3):

GeneDx
Classification: Likely benign. Last evaluated: 2019-01-13. Review status: criteria provided, single submitter. Criteria: GeneDx Variant Classification Process June 2021. Collection method: clinical testing. Allele origin: germline. Affected: yes.

Breakthrough Genomics
Classification: Likely benign. Review status: criteria provided, single submitter. Criteria: ACMG Guidelines, 2015. Collection method: not provided. Allele origin: germline. Inheritance: Autosomal dominant inheritance. Affected: yes.

Genetics Laboratories, Oxford Radcliffe Hospitals NHS Trust
Classification: Benign for Treacher collins syndrome 1. Review status: no assertion criteria provided. Collection method: not provided. Allele origin: somatic. Not counted in ClinVar's aggregate classification.

NM_001371623.1(TCOF1):c.305-52A>G

Gene: TCOF1 (treacle ribosome biogenesis factor 1; plus strand). Cytogenetic location: 5q32.
Variant type: single nucleotide variant.
Coding change: c.305-52A>G on transcript NM_001371623.1 (MANE Select); 52 bases into the intron before coding-DNA position 305, A replaced by G.
Molecular consequence: intron variant.
Genome position (GRCh38, 1-based): chr5:150,367,792, A>G. VCF-style: chr5-150367792-A-G. GRCh37 (hg19) VCF-style: chr5-149747355-A-G.
Other names: c.305-52A>G (NM_001135243.2, NM_001135244.2, NM_001195141.2 and 3 more transcripts).
Identifiers: ClinVar variation 209035 (VCV000209035.5), dbSNP rs41287124, ClinGen allele CA276104.